The following is an entry in ClinVar:

NM_005633.4(SOS1):c.3175G>C (p.Glu1059Gln)

Gene: SOS1 (SOS Ras/Rac guanine nucleotide exchange factor 1; minus strand). Cytogenetic location: 2p22.1.
Variant type: single nucleotide variant.
Coding change: c.3175G>C on transcript NM_005633.4 (MANE Select); coding-DNA position 3175, G replaced by C.
Protein change: p.Glu1059Gln; replaces glutamic acid 1059 with glutamine.
Molecular consequence: missense variant.
Genome position (GRCh38, 1-based): chr2:38,995,294, C>G on the plus strand (G>C on the coding strand, the complement: SOS1 is on the minus strand). VCF-style: chr2-38995294-C-G. GRCh37 (hg19) VCF-style: chr2-39222435-C-G.
Other names: c.3154G>C, p.Glu1052Gln (NM_001382394.1); c.3175G>C, p.Glu1059Gln (NM_001382395.1); short protein forms E1059Q, E1052Q.
Identifiers: ClinVar variation 2859156 (VCV002859156.3), dbSNP rs1042497347, ClinGen allele CA45646105.
Genomic context (GRCh38, chr2:38,995,294, plus strand): 5'-CAGATGCTGTACTTTCTGTTTCACTTTCAGGGATCCTACTATAACTAATTTTCCTTGGCT[C>G]CTGCTGCAGAGGTGTGGGATGCCTCATGGTACCTGGTCTTGGGTTTGATGGACGAACACC-3'
Protein context (NP_005624.2, residues 1049-1069): TMRHPTPLQQ[Glu1059Gln]PRKISYSRIP

ClinVar aggregate classification (germline): Uncertain significance (1 of 4 stars; one submission).

Conditions:
RASopathy. Also called: rasopathies; Noonan spectrum disorder. Identifiers: Orphanet 536391, MedGen C5555857, MONDO:0021060.

gnomAD v4.1: 2 of 1,613,956 alleles (0.00012%); highest among the groups gnomAD compares: Non-Finnish European, 0.00017%; no homozygotes.

Submission:

Labcorp Genetics (formerly Invitae), Labcorp
Classification: Uncertain significance for RASopathy. Last evaluated: 2023-04-25. Review status: criteria provided, single submitter. Criteria: Invitae Variant Classification Sherloc (09022015). Collection method: clinical testing. Allele origin: germline.
Comment: In summary, the available evidence is currently insufficient to determine the role of this variant in disease. Therefore, it has been classified as a Variant of Uncertain Significance. Advanced modeling of protein sequence and biophysical properties (such as structural, functional, and spatial information, amino acid conservation, physicochemical variation, residue mobility, and thermodynamic stability) has been performed at Invitae for this missense variant, however the output from this modeling did not meet the statistical confidence thresholds required to predict the impact of this variant on SOS1 protein function. This variant has not been reported in the literature in individuals affected with SOS1-related conditions. This variant is not present in population databases (gnomAD no frequency). This sequence change replaces glutamic acid, which is acidic and polar, with glutamine, which is neutral and polar, at codon 1059 of the SOS1 protein (p.Glu1059Gln).